The following is an entry in ClinVar:

ClinVar aggregate classification (germline): Uncertain significance (1 of 4 stars; one submission).

Conditions:
SEMA3G-related disorder. Also called: SEMA3G-related condition.

Submission:

PreventionGenetics, part of Exact Sciences
Classification: Uncertain significance for SEMA3G-related condition. Last evaluated: 2026-01-20. Review status: criteria provided, single submitter. Criteria: ACMG Guidelines, 2015. Collection method: clinical testing. Allele origin: germline.
Comment: The SEMA3G c.112C>T variant is predicted to result in premature protein termination (p.Arg38*). To our knowledge, this variant has not been reported in the literature. This variant is reported in 0.023% of alleles in individuals of African descent in gnomAD. Loss-of-function has not been established as a mechanism of disease for SEMA3G. At this time, the clinical significance of this variant is uncertain due to the absence of conclusive functional and genetic evidence.

NM_020163.3(SEMA3G):c.112C>T (p.Arg38Ter)

Gene: SEMA3G (semaphorin 3G; minus strand). Cytogenetic location: 3p21.1.
Variant type: single nucleotide variant.
Coding change: c.112C>T on transcript NM_020163.3 (MANE Select); coding-DNA position 112, C replaced by T.
Protein change: p.Arg38Ter; replaces arginine 38 with a stop codon.
Molecular consequence: nonsense.
Genome position (GRCh38, 1-based): chr3:52,444,916, G>A on the plus strand (C>T on the coding strand, the complement: SEMA3G is on the minus strand). VCF-style: chr3-52444916-G-A. GRCh37 (hg19) VCF-style: chr3-52478932-G-A.
Other names: short protein forms R38*.
Identifiers: ClinVar variation 4989149 (VCV004989149.1).